The following is an entry in ClinVar:

ClinVar aggregate classification (germline): Uncertain significance (1 of 4 stars; one submission).

Submission:

Labcorp Genetics (formerly Invitae), Labcorp
Classification: Uncertain significance. Last evaluated: 2022-10-25. Review status: criteria provided, single submitter. Criteria: Invitae Variant Classification Sherloc (09022015). Collection method: clinical testing. Allele origin: germline.
Comment: This sequence change replaces leucine, which is neutral and non-polar, with valine, which is neutral and non-polar, at codon 111 of the GNA11 protein (p.Leu111Val). This variant is not present in population databases (gnomAD no frequency). This variant has not been reported in the literature in individuals affected with GNA11-related conditions. Advanced modeling of protein sequence and biophysical properties (such as structural, functional, and spatial information, amino acid conservation, physicochemical variation, residue mobility, and thermodynamic stability) performed at Invitae indicates that this missense variant is not expected to disrupt GNA11 protein function. In summary, the available evidence is currently insufficient to determine the role of this variant in disease. Therefore, it has been classified as a Variant of Uncertain Significance.

NM_002067.5(GNA11):c.331C>G (p.Leu111Val)

Gene: GNA11 (G protein subunit alpha 11; plus strand). Cytogenetic location: 19p13.3.
Variant type: single nucleotide variant.
Coding change: c.331C>G on transcript NM_002067.5 (MANE Select); coding-DNA position 331, C replaced by G.
Protein change: p.Leu111Val; replaces leucine 111 with valine.
Molecular consequence: missense variant.
Genome position (GRCh38, 1-based): chr19:3,113,339, C>G. VCF-style: chr19-3113339-C-G. GRCh37 (hg19) VCF-style: chr19-3113337-C-G.
Other names: short protein forms L111V.
Identifiers: ClinVar variation 2428200 (VCV002428200.6), dbSNP rs2145318433, ClinGen allele CA403306043.